The following is an entry in ClinVar:

NM_002474.3(MYH11):c.346-15del

Gene: MYH11 (myosin heavy chain 11; minus strand). Cytogenetic location: 16p13.11.
Variant type: Deletion.
Coding change: c.346-15del on transcript NM_002474.3 (MANE Select); 15 bases into the intron before coding-DNA position 346, one base deleted (G; older notation c.346-15delG).
Molecular consequence: intron variant.
Genome position (GRCh38, 1-based): chr16:15,823,426, C deleted on the plus strand (G on the coding strand, the reverse complement: MYH11 is on the minus strand); the first of 3 consecutive C bases (chr16:15,823,426-15,823,428); deleting any one gives the same sequence. VCF-style (leftmost placement, unchanged base first): chr16-15823425-AC-A. GRCh37 (hg19) VCF-style: chr16-15917282-AC-A.
Other names: c.346-15del (NM_022844.3, NM_001040114.2, NM_001040113.2).
Identifiers: ClinVar variation 921854 (VCV000921854.3), dbSNP rs2043470304, ClinGen allele CA1139664561.

ClinVar aggregate classification (germline): Uncertain significance (1 of 4 stars; one submission).

Conditions:
Familial thoracic aortic aneurysm and aortic dissection (TAAD). Also called: Thoracic aortic aneurysms and dissections. Identifiers: Orphanet 91387, MedGen C4707243, MONDO:0019625.

Submission:

Color Diagnostics, LLC DBA Color Health
Classification: Uncertain significance for Familial thoracic aortic aneurysm and aortic dissection. Last evaluated: 2020-02-18. Review status: criteria provided, single submitter. Criteria: ACMG Guidelines, 2015. Collection method: clinical testing. Allele origin: germline.
Comment: This variant causes a deletion of 1 nucleotide in intron 2 of the MYH11 gene. To our knowledge, functional studies have not been performed for this variant. This variant has not been reported in individuals affected with cardiovascular disorders in the literature. This variant has not been identified in the general population by the Genome Aggregation Database (gnomAD). The available evidence is insufficient to determine the role of this variant in disease conclusively. Therefore, this variant is classified as a Variant of Uncertain Significance.